The following is an entry in ClinVar:

ClinVar aggregate classification (germline): Uncertain significance (1 of 4 stars; one submission).

Submission:

GeneDx
Classification: Uncertain significance. Last evaluated: 2020-08-20. Review status: criteria provided, single submitter. Criteria: GeneDx Variant Classification Process June 2021. Collection method: clinical testing. Allele origin: germline. Affected: yes.
Comment: Has not been previously published as pathogenic or benign to our knowledge; In-silico analysis, which includes splice predictors and evolutionary conservation, is inconclusive as to whether the variant alters gene splicing. In the absence of RNA/functional studies, the actual effect of this sequence change is unknown.

NM_005359.6(SMAD4):c.667+5_667+6insCCTGCCAGTATACTGGGGGGCAGCCATAGTGAAGGACTGTTGCAGATAGCATCAGGGCC

Gene: SMAD4 (SMAD family member 4; plus strand). Cytogenetic location: 18q21.2.
Variant type: Insertion.
Coding change: c.667+5_667+6insCCTGCCAGTATACTGGGGGGCAGCCATAGTGAAGGACTGTTGCAGATAGCATCAGGGCC on transcript NM_005359.6 (MANE Select); bases 5 to 6 of the intron after coding-DNA position 667, CCTGCCAGTATACTGGGGGGCAGCCATAGTGAAGGACTGTTGCAGATAGCATCAGGGCC inserted.
Molecular consequence: intron variant.
Genome position: GRCh38: chr18:51,054,998-51,054,999. GRCh37 (hg19): chr18:48,581,368-48,581,369.
Identifiers: ClinVar variation 1207320 (VCV001207320.3), dbSNP rs2144419801, ClinGen allele CA2499225206.